The following is an entry in ClinVar:

NM_001069.3(TUBB2A):c.1291G>A (p.Asp431Asn)

Gene: TUBB2A (tubulin beta 2A class IIa; minus strand). Cytogenetic location: 6p25.2.
Variant type: single nucleotide variant.
Coding change: c.1291G>A on transcript NM_001069.3 (MANE Select); coding-DNA position 1291, G replaced by A.
Protein change: p.Asp431Asn; replaces aspartic acid 431 with asparagine.
Molecular consequence: missense variant.
Genome position (GRCh38, 1-based): chr6:3,153,910, C>T on the plus strand (G>A on the coding strand, the complement: TUBB2A is on the minus strand). VCF-style: chr6-3153910-C-T. GRCh37 (hg19) VCF-style: chr6-3154144-C-T.
Other names: c.1036G>A, p.Asp346Asn (NM_001310315.2); short protein forms D431N, D346N.
Identifiers: ClinVar variation 3002885 (VCV003002885.3), dbSNP rs1352736140, ClinGen allele CA362590779.

ClinVar aggregate classification (germline): Uncertain significance (1 of 4 stars; one submission).

Allele frequency attached by ClinVar (database versions not stated): gnomAD exomes below 0.00001; TOPMed below 0.00001.

Submission:

Labcorp Genetics (formerly Invitae), Labcorp
Classification: Uncertain significance. Last evaluated: 2024-12-05. Review status: criteria provided, single submitter. Criteria: Invitae Variant Classification Sherloc (09022015). Collection method: clinical testing. Allele origin: germline.
Comment: This sequence change replaces aspartic acid, which is acidic and polar, with asparagine, which is neutral and polar, at codon 431 of the TUBB2A protein (p.Asp431Asn). This variant is not present in population databases (gnomAD no frequency). This variant has not been reported in the literature in individuals affected with TUBB2A-related conditions. ClinVar contains an entry for this variant (Variation ID: 3002885). Invitae Evidence Modeling of protein sequence and biophysical properties (such as structural, functional, and spatial information, amino acid conservation, physicochemical variation, residue mobility, and thermodynamic stability) indicates that this missense variant is not expected to disrupt TUBB2A protein function with a negative predictive value of 80%. In summary, the available evidence is currently insufficient to determine the role of this variant in disease. Therefore, it has been classified as a Variant of Uncertain Significance.